The following is an entry in ClinVar:

NM_001127222.2(CACNA1A):c.922G>C (p.Val308Leu)

Gene: CACNA1A (calcium voltage-gated channel subunit alpha1 A; minus strand). Cytogenetic location: 19p13.13.
Variant type: single nucleotide variant.
Coding change: c.922G>C on transcript NM_001127222.2 (MANE Select); coding-DNA position 922, G replaced by C.
Protein change: p.Val308Leu; replaces valine 308 with leucine.
Molecular consequence: missense variant.
Genome position (GRCh38, 1-based): chr19:13,359,662, C>G on the plus strand (G>C on the coding strand, the complement: CACNA1A is on the minus strand). VCF-style: chr19-13359662-C-G. GRCh37 (hg19) VCF-style: chr19-13470476-C-G.
Other names: c.922G>C, p.Val308Leu (NM_000068.4, NM_001127221.2, NM_001174080.2 and 1 more transcripts); short protein forms V308L.
Identifiers: ClinVar variation 1698162 (VCV001698162.2), dbSNP rs778912392, ClinGen allele CA404347064.

ClinVar aggregate classification (germline): Uncertain significance (1 of 4 stars; one submission).

Submission:

GeneDx
Classification: Uncertain significance. Last evaluated: 2022-01-19. Review status: criteria provided, single submitter. Criteria: GeneDx Variant Classification Process June 2021. Collection method: clinical testing. Allele origin: germline. Affected: yes.
Comment: Has not been previously published as pathogenic or benign to our knowledge; Not observed at significant frequency in large population cohorts (gnomAD); In silico analysis supports that this missense variant does not alter protein structure/function